The following is an entry in ClinVar:

NC_000011.10:g.2001827C>T

Genes: H19 (H19 imprinted maternally expressed transcript; minus strand), H19-ICR (H19/IGF2 imprinting control region; plus strand), MRPL23 (mitochondrial ribosomal protein L23; plus strand). Cytogenetic location: 11p15.5.
Variant type: single nucleotide variant.
Molecular consequence: intron variant (on NM_001400176.1).
Genome position: GRCh38 VCF-style: chr11-2001827-C-T. GRCh37 (hg19) VCF-style: chr11-2023057-C-T.
Other names: c.498-9714C>T (NM_001400176.1).
Identifiers: ClinVar variation 3038156 (VCV003038156.2), dbSNP rs61520309, ClinGen allele CA216221060.

ClinVar aggregate classification (germline): Benign (0 of 4 stars; one submission).

Conditions:
H19-related disorder. Also called: H19-related condition.

Allele frequency attached by ClinVar (database versions not stated): 1000 Genomes Project 0.09105.

Submission:

PreventionGenetics, part of Exact Sciences
Classification: Benign for H19-related condition. Last evaluated: 2019-08-12. Review status: no assertion criteria provided. Collection method: clinical testing. Allele origin: germline.
Comment: This variant is classified as benign based on ACMG/AMP sequence variant interpretation guidelines (Richards et al. 2015 PMID: 25741868, with internal and published modifications).